The following is an entry in ClinVar:

ClinVar aggregate classification (germline): Uncertain significance (1 of 4 stars; one submission).

Submission:

Labcorp Genetics (formerly Invitae), Labcorp
Classification: Uncertain significance. Last evaluated: 2022-08-09. Review status: criteria provided, single submitter. Criteria: Invitae Variant Classification Sherloc (09022015). Collection method: clinical testing. Allele origin: germline.
Comment: This sequence change creates a premature translational stop signal (p.Gly112Valfs*19) in the RP9 gene. It is expected to result in an absent or disrupted protein product. However, the current clinical and genetic evidence is not sufficient to establish whether loss-of-function variants in RP9 cause disease. This variant is present in population databases (rs750225004, gnomAD 0.0009%). This variant has not been reported in the literature in individuals affected with RP9-related conditions. Experimental studies and prediction algorithms are not available or were not evaluated, and the functional significance of this variant is currently unknown. In summary, the available evidence is currently insufficient to determine the role of this variant in disease. Therefore, it has been classified as a Variant of Uncertain Significance.

NM_203288.2(RP9):c.335del (p.Gly112fs)

Gene: RP9 (RP9 pre-mRNA splicing factor; minus strand). Cytogenetic location: 7p14.3.
Variant type: Deletion.
Coding change: c.335del on transcript NM_203288.2 (MANE Select); coding-DNA position 335, one base deleted (G; older notation c.335delG).
Protein change: p.Gly112fs; shifts the reading frame from glycine 112.
Molecular consequence: frameshift variant.
Genome position (GRCh38, 1-based): chr7:33,097,341, C deleted on the plus strand (G on the coding strand, the reverse complement: RP9 is on the minus strand); the first of 2 consecutive C bases (chr7:33,097,341-33,097,342); deleting either gives the same sequence. VCF-style (leftmost placement, unchanged base first): chr7-33097340-AC-A. GRCh37 (hg19) VCF-style: chr7-33136952-AC-A.
Other names: short protein forms G112fs.
Identifiers: ClinVar variation 2023236 (VCV002023236.4), dbSNP rs750225004, ClinGen allele CA4213751.